The following is an entry in ClinVar:

NM_001846.4(COL4A2):c.1237G>A (p.Gly413Arg)

Gene: COL4A2 (collagen type IV alpha 2 chain; plus strand). Cytogenetic location: 13q34.
Variant type: single nucleotide variant.
Coding change: c.1237G>A on transcript NM_001846.4 (MANE Select); coding-DNA position 1237, G replaced by A.
Protein change: p.Gly413Arg; replaces glycine 413 with arginine.
Molecular consequence: missense variant.
Genome position (GRCh38, 1-based): chr13:110,450,352, G>A. VCF-style: chr13-110450352-G-A. GRCh37 (hg19) VCF-style: chr13-111102699-G-A.
Other names: short protein forms G413R.
Identifiers: ClinVar variation 3619498 (VCV003619498.2).
Genomic context (GRCh38, chr13:110,450,352, plus strand): 5'-TGTTTGGTTTCAGATCAGAGGAGAGGCCTGCCGGGTGAGATGGGACCCAAGGGCTTCATC[G>A]GAGACCCCGGCATCCCTGCGCTCTACGGGGGCCCACCTGGACCTGATGGAAAGCGAGGGC-3'
Protein context (NP_001837.2, residues 403-423): PGEMGPKGFI[Gly413Arg]DPGIPALYGG

ClinVar aggregate classification (germline): Uncertain significance (1 of 4 stars; one submission).

gnomAD v4.1: 4 of 1,613,636 alleles (0.00025%); highest among the groups gnomAD compares: Non-Finnish European, 0.00034%; no homozygotes.

Submission:

Labcorp Genetics (formerly Invitae), Labcorp
Classification: Uncertain significance. Last evaluated: 2025-01-06. Review status: criteria provided, single submitter. Criteria: Invitae Variant Classification Sherloc (09022015). Collection method: clinical testing. Allele origin: germline.
Comment: This sequence change replaces glycine, which is neutral and non-polar, with arginine, which is basic and polar, at codon 413 of the COL4A2 protein (p.Gly413Arg). This variant is not present in population databases (gnomAD no frequency). This missense change has been observed in individual(s) with spontaneous coronary artery dissection (PMID: 37754822). Invitae Evidence Modeling of protein sequence and biophysical properties (such as structural, functional, and spatial information, amino acid conservation, physicochemical variation, residue mobility, and thermodynamic stability) indicates that this missense variant is expected to disrupt COL4A2 protein function with a positive predictive value of 80%. In summary, the available evidence is currently insufficient to determine the role of this variant in disease. Therefore, it has been classified as a Variant of Uncertain Significance.

Literature cited by the submitters: PubMed 37754822.